The following is an entry in ClinVar:

ClinVar aggregate classification (germline): Uncertain significance (1 of 4 stars; one submission).

Allele frequency attached by ClinVar (database versions not stated): ExAC 0.00001; gnomAD 0.00001; gnomAD exomes 0.00001 and 0.00002; TOPMed 0.00002.
gnomAD v4.1: 15 of 1,612,898 alleles (0.00093%); highest among the groups gnomAD compares: Non-Finnish European, 0.0012%; no homozygotes.

Submission:

Labcorp Genetics (formerly Invitae), Labcorp
Classification: Uncertain significance. Last evaluated: 2022-05-31. Review status: criteria provided, single submitter. Criteria: Invitae Variant Classification Sherloc (09022015). Collection method: clinical testing. Allele origin: germline.
Comment: This sequence change creates a premature translational stop signal (p.Gln412*) in the ANKZF1 gene. It is expected to result in an absent or disrupted protein product. However, the current clinical and genetic evidence is not sufficient to establish whether loss-of-function variants in ANKZF1 cause disease. This variant is present in population databases (rs777110647, gnomAD 0.004%). This variant has not been reported in the literature in individuals affected with ANKZF1-related conditions. ClinVar contains an entry for this variant (Variation ID: 1420082). Algorithms developed to predict the effect of sequence changes on RNA splicing suggest that this variant may disrupt the consensus splice site. In summary, the available evidence is currently insufficient to determine the role of this variant in disease. Therefore, it has been classified as a Variant of Uncertain Significance.

NM_018089.3(ANKZF1):c.1234C>T (p.Gln412Ter)

Gene: ANKZF1 (ankyrin repeat and zinc finger peptidyl tRNA hydrolase 1; plus strand). Cytogenetic location: 2q35.
Variant type: single nucleotide variant.
Coding change: c.1234C>T on transcript NM_018089.3 (MANE Select); coding-DNA position 1234, C replaced by T.
Protein change: p.Gln412Ter; replaces glutamine 412 with a stop codon.
Molecular consequence: nonsense.
Genome position (GRCh38, 1-based): chr2:219,234,855, C>T. VCF-style: chr2-219234855-C-T. GRCh37 (hg19) VCF-style: chr2-220099577-C-T.
Other names: c.1234C>T, p.Gln412Ter (NM_001042410.2); c.604C>T, p.Gln202Ter (NM_001282792.2); short protein forms Q412*, Q202*.
Identifiers: ClinVar variation 1420082 (VCV001420082.6), dbSNP rs777110647, ClinGen allele CA2121022.